The following is an entry in ClinVar:

ClinVar aggregate classification (germline): Likely benign. Review status: criteria provided, single submitter (1 of 4 stars). 2 submissions from 2 submitters: Likely benign (1). 1 of the submissions does not count toward it. Last evaluated 2025-10-29.

Conditions:
ANO5-related disorder. Also called: ANO5-related disorders; ANO5-related condition. Identifiers: MedGen CN239193.
Gnathodiaphyseal dysplasia (GDD). Also called: OSTEOGENESIS IMPERFECTA WITH UNUSUAL SKELETAL LESIONS; GNATHODIAPHYSEAL SCLEROSIS. Identifiers: Orphanet 53697, MedGen C1833736, MONDO:0008151, OMIM 166260.
Autosomal recessive limb-girdle muscular dystrophy type 2L (LGMDR12). Also called: MUSCULAR DYSTROPHY, LIMB-GIRDLE, AUTOSOMAL RECESSIVE 12; Limb-Girdle Muscular Dystrophy R12 Anoctamin-5-Related (LGMD-R12); Limb-girdle muscular dystrophy, type 2L. Identifiers: Orphanet 206549, MedGen C1969785, MONDO:0012652, OMIM 611307.

Allele frequency attached by ClinVar (database versions not stated): gnomAD exomes below 0.00001; ExAC 0.00001.
gnomAD v4.1: 3 of 1,594,774 alleles (0.00019%); highest among the groups gnomAD compares: Non-Finnish European, 0.00026%; no homozygotes.

Submissions (2):

Labcorp Genetics (formerly Invitae), Labcorp
Classification: Likely benign for Autosomal recessive limb-girdle muscular dystrophy type 2L; Gnathodiaphyseal dysplasia. Last evaluated: 2025-10-29. Review status: criteria provided, single submitter. Criteria: Invitae Variant Classification Sherloc (09022015). Collection method: clinical testing. Allele origin: germline.

PreventionGenetics, part of Exact Sciences
Classification: Likely benign for ANO5-related condition. Last evaluated: 2019-05-24. Review status: no assertion criteria provided. Collection method: clinical testing. Allele origin: germline. Not counted in ClinVar's aggregate classification.
Comment: This variant is classified as likely benign based on ACMG/AMP sequence variant interpretation guidelines (Richards et al. 2015 PMID: 25741868, with internal and published modifications).

NM_213599.3(ANO5):c.181-5T>C

Gene: ANO5 (anoctamin 5; plus strand). Cytogenetic location: 11p14.3.
Variant type: single nucleotide variant.
Coding change: c.181-5T>C on transcript NM_213599.3 (MANE Select); 5 bases into the intron before coding-DNA position 181, T replaced by C.
Molecular consequence: intron variant.
Genome position (GRCh38, 1-based): chr11:22,221,092, T>C. VCF-style: chr11-22221092-T-C. GRCh37 (hg19) VCF-style: chr11-22242638-T-C.
Other names: c.181-5T>C (NM_213599.2); c.178-5T>C (NM_001142649.2).
Identifiers: ClinVar variation 1133904 (VCV001133904.11), dbSNP rs765995011, ClinGen allele CA5922833.